The following is an entry in ClinVar:

NM_013432.5(TONSL):c.3007G>C (p.Val1003Leu)

Gene: TONSL (tonsoku like, DNA repair protein; minus strand). Cytogenetic location: 8q24.3.
Variant type: single nucleotide variant.
Coding change: c.3007G>C on transcript NM_013432.5 (MANE Select); coding-DNA position 3007, G replaced by C.
Protein change: p.Val1003Leu; replaces valine 1003 with leucine.
Molecular consequence: missense variant.
Genome position (GRCh38, 1-based): chr8:144,434,889, C>G on the plus strand (G>C on the coding strand, the complement: TONSL is on the minus strand). VCF-style: chr8-144434889-C-G. GRCh37 (hg19) VCF-style: chr8-145660272-C-G.
Other names: short protein forms V1003L.
Identifiers: ClinVar variation 1437274 (VCV001437274.7), dbSNP rs546704493, ClinGen allele CA4942629.

ClinVar aggregate classification (germline): Uncertain significance (1 of 4 stars; one submission).

Allele frequency attached by ClinVar (database versions not stated): 1000 Genomes Project 30x 0.00031; 1000 Genomes Project 0.00040.

Submissions (2):

Labcorp Genetics (formerly Invitae), Labcorp
Classification: Uncertain significance. Last evaluated: 2022-08-15. Review status: criteria provided, single submitter. Criteria: Invitae Variant Classification Sherloc (09022015). Collection method: clinical testing. Allele origin: germline.
Comment: This sequence change replaces valine, which is neutral and non-polar, with leucine, which is neutral and non-polar, at codon 1003 of the TONSL protein (p.Val1003Leu). This variant is present in population databases (rs546704493, gnomAD 0.05%). This variant has not been reported in the literature in individuals affected with TONSL-related conditions. ClinVar contains an entry for this variant (Variation ID: 1437274). Algorithms developed to predict the effect of missense changes on protein structure and function are either unavailable or do not agree on the potential impact of this missense change (SIFT: "Tolerated"; PolyPhen-2: "Probably Damaging"; Align-GVGD: "Class C0"). Algorithms developed to predict the effect of sequence changes on RNA splicing suggest that this variant may disrupt the consensus splice site. In summary, the available evidence is currently insufficient to determine the role of this variant in disease. Therefore, it has been classified as a Variant of Uncertain Significance.

Dr. Peter K. Rogan Lab, Western University
No classification provided (evidence only). Condition: Hepatocellular carcinoma. Review status: no classification provided. Collection method: in vitro. Allele origin: not applicable. Functional consequence: retained intron. Not counted in ClinVar's aggregate classification.